The following is an entry in ClinVar:

NM_020921.4(NIN):c.5824G>A (p.Glu1942Lys)

Gene: NIN (ninein; minus strand). Cytogenetic location: 14q22.1.
Variant type: single nucleotide variant.
Coding change: c.5824G>A on transcript NM_020921.4 (MANE Select); coding-DNA position 5824, G replaced by A.
Protein change: p.Glu1942Lys; replaces glutamic acid 1942 with lysine.
Molecular consequence: missense variant.
Genome position (GRCh38, 1-based): chr14:50,735,569, C>T on the plus strand (G>A on the coding strand, the complement: NIN is on the minus strand). VCF-style: chr14-50735569-C-T. GRCh37 (hg19) VCF-style: chr14-51202287-C-T.
Other names: c.5824G>A, p.Glu1942Lys (NM_182944.3, NM_182946.2); c.3685G>A, p.Glu1229Lys (NM_016350.5); short protein forms E1229K, E1942K.
Identifiers: ClinVar variation 3646429 (VCV003646429.2).

ClinVar aggregate classification (germline): Uncertain significance (1 of 4 stars; one submission).

gnomAD v4.1: 11 of 1,612,802 alleles (0.00068%); highest among the groups gnomAD compares: Non-Finnish European, 0.00085%; no homozygotes.

Submission:

Labcorp Genetics (formerly Invitae), Labcorp
Classification: Uncertain significance. Last evaluated: 2024-08-24. Review status: criteria provided, single submitter. Criteria: Invitae Variant Classification Sherloc (09022015). Collection method: clinical testing. Allele origin: germline.
Comment: This sequence change replaces glutamic acid, which is acidic and polar, with lysine, which is basic and polar, at codon 1942 of the NIN protein (p.Glu1942Lys). This variant is not present in population databases (gnomAD no frequency). This variant has not been reported in the literature in individuals affected with NIN-related conditions. An algorithm developed to predict the effect of missense changes on protein structure and function (PolyPhen-2) suggests that this variant is likely to be disruptive. In summary, the available evidence is currently insufficient to determine the role of this variant in disease. Therefore, it has been classified as a Variant of Uncertain Significance.